The following is an entry in ClinVar:

NM_001276270.2(MBD4):c.1394-9A>G

Gene: MBD4 (methyl-CpG binding domain 4, DNA glycosylase; minus strand). Cytogenetic location: 3q21.3.
Variant type: single nucleotide variant.
Coding change: c.1394-9A>G on transcript NM_001276270.2 (MANE Select); 9 bases into the intron before coding-DNA position 1394, A replaced by G.
Molecular consequence: intron variant.
Genome position (GRCh38, 1-based): chr3:129,433,256, T>C on the plus strand (A>G on the coding strand, the complement: MBD4 is on the minus strand). VCF-style: chr3-129433256-T-C. GRCh37 (hg19) VCF-style: chr3-129152099-T-C.
Other names: c.458-9A>G (NM_001276273.2); c.1412-9A>G (NM_001276272.2, NM_003925.3, NM_001276271.2).
Identifiers: ClinVar variation 3668782 (VCV003668782.3).

ClinVar aggregate classification (germline): Likely benign. Review status: criteria provided, multiple submitters, no conflicts (2 of 4 stars). 2 submissions from 2 submitters: Likely benign (2). Last evaluated 2026-06-09.

Conditions:
Tumor predisposition syndrome 2 (TPDS2). Also called: MBD4-ASSOCIATED NEOPLASIA SYNDROME; MBD4-Related Tumor Predisposition Syndrome; MBD4-associated neoplasia syndrome (MANS). Identifiers: Orphanet 661526, MedGen C5774186, MONDO:0859267, OMIM 619975.

Submissions (2):

Myriad Genetics, Inc.
Classification: Likely benign for Tumor predisposition syndrome 2. Last evaluated: 2026-06-09. Review status: criteria provided, single submitter. Criteria: Myriad Autosomal Dominant, Autosomal Recessive and X-Linked Classification Criteria (2023). Collection method: clinical testing. Allele origin: unknown.
Comment: This variant is considered likely benign. This variant is intronic and is not expected to impact mRNA splicing.

Labcorp Genetics (formerly Invitae), Labcorp
Classification: Likely benign. Last evaluated: 2024-12-18. Review status: criteria provided, single submitter. Criteria: Invitae Variant Classification Sherloc (09022015). Collection method: clinical testing. Allele origin: germline.